The following is an entry in ClinVar:

ClinVar aggregate classification (germline): Conflicting classifications of pathogenicity. Review status: criteria provided, conflicting classifications (1 of 4 stars). 4 submissions from 4 submitters: Uncertain significance (1); Likely benign (2). 1 of the submissions does not count toward it. Last evaluated 2026-01-27.

Conditions:
POMT1-related disorder. Also called: POMT1-related disorders; POMT1-related condition.
Autosomal recessive limb-girdle muscular dystrophy type 2K. Also called: MUSCULAR DYSTROPHY-DYSTROGLYCANOPATHY (LIMB-GIRDLE), TYPE C, 1; MUSCULAR DYSTROPHY, LIMB-GIRDLE, TYPE 2K. Identifiers: Orphanet 86812, MedGen C1836373, MONDO:0012248, OMIM 609308.
Muscular dystrophy-dystroglycanopathy (congenital with impaired intellectual development), type B, 1. Also called: Muscular dystrophy-dystroglycanopathy (congenital with intellectual disability), type B1; MUSCULAR DYSTROPHY, CONGENITAL, POMT1-RELATED. Identifiers: MedGen C5436962, MONDO:0013159, OMIM 613155.
Walker-Warburg congenital muscular dystrophy. Also called: Muscular dystrophy-dystroglycanopathy, type A; Walker-Warburg syndrome. Identifiers: Orphanet 899, MedGen C0265221, MONDO:0000171.

Allele frequency attached by ClinVar (database versions not stated): TOPMed 0.00004; ExAC 0.00004; gnomAD exomes 0.00007; ESP Exome Variant Server 0.00008.
gnomAD v4.1: 258 of 1,614,068 alleles (0.016%); highest among the groups gnomAD compares: Non-Finnish European, 0.021%; no homozygotes.

Submissions (4):

Labcorp Genetics (formerly Invitae), Labcorp
Classification: Likely benign for Muscular dystrophy-dystroglycanopathy (congenital with impaired intellectual development), type B, 1; Walker-Warburg congenital muscular dystrophy; Autosomal recessive limb-girdle muscular dystrophy type 2K. Last evaluated: 2026-01-27. Review status: criteria provided, single submitter. Criteria: Invitae Variant Classification Sherloc (09022015). Collection method: clinical testing. Allele origin: germline.

Blueprint Genetics
Classification: Likely benign. Last evaluated: 2024-03-15. Review status: criteria provided, single submitter. Criteria: ACMG Guidelines, 2015. Collection method: clinical testing. Allele origin: germline.

Eurofins Ntd Llc (ga)
Classification: Uncertain significance. Last evaluated: 2016-12-28. Review status: criteria provided, single submitter. Criteria: EGL Classification Definitions 2015. Collection method: clinical testing. Allele origin: germline. Observed: 1 variant allele, 1 heterozygote.

PreventionGenetics, part of Exact Sciences
Classification: Likely benign for POMT1-related condition. Last evaluated: 2020-02-12. Review status: no assertion criteria provided. Collection method: clinical testing. Allele origin: germline. Not counted in ClinVar's aggregate classification.
Comment: This variant is classified as likely benign based on ACMG/AMP sequence variant interpretation guidelines (Richards et al. 2015 PMID: 25741868, with internal and published modifications).

NM_001077365.2(POMT1):c.1746C>T (p.Ser582=)

Gene: POMT1 (protein O-mannosyltransferase 1; plus strand). Cytogenetic location: 9q34.13.
Variant type: single nucleotide variant.
Coding change: c.1746C>T on transcript NM_001077365.2 (MANE Select); coding-DNA position 1746, C replaced by T.
Protein change: p.Ser582=; no amino-acid change (serine 582 retained).
Molecular consequence: synonymous variant. On other transcripts: non-coding transcript variant (10).
Genome position (GRCh38, 1-based): chr9:131,521,393, C>T. VCF-style: chr9-131521393-C-T. GRCh37 (hg19) VCF-style: chr9-134396780-C-T.
Other names: c.1584C>T, p.Ser528= (NM_001077366.2, NM_001353194.2); c.1746C>T, p.Ser582= (NM_001136113.2); c.1395C>T, p.Ser465= (NM_001136114.2, NM_001353195.2, NM_001374691.1 and 2 more transcripts); c.1812C>T, p.Ser604= (NM_001353193.2, NM_007171.4); c.1656C>T, p.Ser552= (NM_001353196.2); c.1650C>T, p.Ser550= (NM_001353197.2, NM_001353198.2); c.1461C>T, p.Ser487= (NM_001353199.2); c.1290C>T, p.Ser430= (NM_001353200.2); and 3 more.
Identifiers: ClinVar variation 499196 (VCV000499196.18), dbSNP rs376373313, ClinGen allele CA5293810.